The following is an entry in ClinVar:

NM_201384.3(PLEC):c.11655C>G (p.Phe3885Leu)

Gene: PLEC (plectin; minus strand). Cytogenetic location: 8q24.3.
Variant type: single nucleotide variant.
Coding change: c.11655C>G on transcript NM_201384.3 (MANE Select); coding-DNA position 11655, C replaced by G.
Protein change: p.Phe3885Leu; replaces phenylalanine 3885 with leucine.
Molecular consequence: missense variant.
Genome position (GRCh38, 1-based): chr8:143,918,166, G>C on the plus strand (C>G on the coding strand, the complement: PLEC is on the minus strand). VCF-style: chr8-143918166-G-C. GRCh37 (hg19) VCF-style: chr8-144992334-G-C.
Other names: c.11736C>G, p.Phe3912Leu (NM_000445.5); c.8355C>G, p.Phe2785Leu (NM_001410941.1); c.11613C>G, p.Phe3871Leu (NM_201378.4); c.11589C>G, p.Phe3863Leu (NM_201379.3); c.12066C>G, p.Phe4022Leu (NM_201380.4); c.11559C>G, p.Phe3853Leu (NM_201381.3); c.11655C>G, p.Phe3885Leu (NM_201382.4); c.11667C>G, p.Phe3889Leu (NM_201383.3); short protein forms F2785L, F3885L, F3889L, F3863L, F3853L, F3871L, F3912L, F4022L.
Identifiers: ClinVar variation 2190135 (VCV002190135.4), dbSNP rs1563940059, ClinGen allele CA372489242.

ClinVar aggregate classification (germline): Uncertain significance (1 of 4 stars; one submission).

Conditions:
Epidermolysis bullosa simplex with nail dystrophy (EBS5D). Identifiers: MedGen C4225309, MONDO:0014661, OMIM 616487.
Epidermolysis bullosa simplex 5B, with muscular dystrophy (EBS5B). Also called: EPIDERMOLYSIS BULLOSA SIMPLEX AND LIMB-GIRDLE MUSCULAR DYSTROPHY; Epidermolysis bullosa simplex with muscular dystrophy. Identifiers: Orphanet 257, MedGen C2931072, MONDO:0009181, OMIM 226670.
Epidermolysis bullosa simplex, Ogna type (EBS5A). Also called: Pidermolysis bullosa simplex 5A, Ogna type; EPIDERMOLYSIS BULLOSA SIMPLEX 5A, OGNA TYPE. Identifiers: Orphanet 79401, MedGen C0432317, MONDO:0007555, OMIM 131950.
Epidermolysis bullosa simplex 5C, with pyloric atresia (EBS5C). Also called: Epidermolysis bullosa simplex with pyloric atresia; PLEC-Related Epidermolysis Bullosa with Pyloric Atresia; PLEC1-Related Epidermolysis Bullosa with Pyloric Atresia. Identifiers: Orphanet 158684, MedGen C2677349, MONDO:0012807, OMIM 612138.
Autosomal recessive limb-girdle muscular dystrophy type 2Q (LGMDR17). Also called: MUSCULAR DYSTROPHY, LIMB-GIRDLE, AUTOSOMAL RECESSIVE 17. Identifiers: Orphanet 254361, MedGen C3150989, MONDO:0013390, OMIM 613723.

Submission:

Labcorp Genetics (formerly Invitae), Labcorp
Classification: Uncertain significance for Autosomal recessive limb-girdle muscular dystrophy type 2Q; Epidermolysis bullosa simplex, Ogna type; Epidermolysis bullosa simplex with nail dystrophy; Epidermolysis bullosa simplex 5C, with pyloric atresia; Epidermolysis bullosa simplex 5B, with muscular dystrophy. Last evaluated: 2022-10-17. Review status: criteria provided, single submitter. Criteria: Invitae Variant Classification Sherloc (09022015). Collection method: clinical testing. Allele origin: germline.
Comment: In summary, the available evidence is currently insufficient to determine the role of this variant in disease. Therefore, it has been classified as a Variant of Uncertain Significance. Advanced modeling of protein sequence and biophysical properties (such as structural, functional, and spatial information, amino acid conservation, physicochemical variation, residue mobility, and thermodynamic stability) performed at Invitae indicates that this missense variant is not expected to disrupt PLEC protein function. This variant has not been reported in the literature in individuals affected with PLEC-related conditions. This variant is not present in population databases (gnomAD no frequency). This sequence change replaces phenylalanine, which is neutral and non-polar, with leucine, which is neutral and non-polar, at codon 3912 of the PLEC protein (p.Phe3912Leu).